The following is an entry in ClinVar:

ClinVar aggregate classification (germline): Uncertain significance (1 of 4 stars; one submission).

Conditions:
Familial cancer of breast. Also called: Hereditary breast cancer; BREAST CANCER, FAMILIAL; hereditary breast carcinoma. Identifiers: Orphanet 227535, MedGen C0346153, MONDO:0016419, OMIM 114480. Disease mechanism: loss of function.

Allele frequency attached by ClinVar (database versions not stated): gnomAD exomes below 0.00001.
gnomAD v4.1: 2 of 1,605,070 alleles (0.00012%); highest among the groups gnomAD compares: Non-Finnish European, 0.00017%; no homozygotes.

Submission:

Labcorp Genetics (formerly Invitae), Labcorp
Classification: Uncertain significance for Familial cancer of breast. Last evaluated: 2025-03-21. Review status: criteria provided, single submitter. Criteria: Invitae Variant Classification Sherloc (09022015). Collection method: clinical testing. Allele origin: germline.
Comment: This sequence change replaces valine, which is neutral and non-polar, with alanine, which is neutral and non-polar, at codon 919 of the PALB2 protein (p.Val919Ala). This variant is not present in population databases (gnomAD no frequency). This variant has not been reported in the literature in individuals affected with PALB2-related conditions. ClinVar contains an entry for this variant (Variation ID: 1486246). Invitae Evidence Modeling of protein sequence and biophysical properties (such as structural, functional, and spatial information, amino acid conservation, physicochemical variation, residue mobility, and thermodynamic stability) indicates that this missense variant is expected to disrupt PALB2 protein function with a positive predictive value of 80%. In summary, the available evidence is currently insufficient to determine the role of this variant in disease. Therefore, it has been classified as a Variant of Uncertain Significance.

NM_024675.4(PALB2):c.2756T>C (p.Val919Ala)

Gene: PALB2 (partner and localizer of BRCA2; minus strand). Cytogenetic location: 16p12.2.
Variant type: single nucleotide variant.
Coding change: c.2756T>C on transcript NM_024675.4 (MANE Select); coding-DNA position 2756, T replaced by C.
Protein change: p.Val919Ala; replaces valine 919 with alanine.
Molecular consequence: missense variant.
Genome position (GRCh38, 1-based): chr16:23,624,087, A>G on the plus strand (T>C on the coding strand, the complement: PALB2 is on the minus strand). VCF-style: chr16-23624087-A-G. GRCh37 (hg19) VCF-style: chr16-23635408-A-G.
Other names: short protein forms V919A.
Identifiers: ClinVar variation 1486246 (VCV001486246.7), dbSNP rs886041103, ClinGen allele CA395145241.
Genomic context (GRCh38, chr16:23,624,087, plus strand): 5'-AAATTTCCCAAAGCTACACACACGAGATTATACACATCAGGCACTGGAACTATCTGTAAT[A>G]CTGGAACCTAAATAAAACAAAGCAGCCAAAAATTATGCTTGGTTGTTTCATTTTTGTTTA-3'
Protein context (NP_078951.2, residues 909-929): LYTWHFAEVP[Val919Ala]LQIVPVPDVY